The following is an entry in ClinVar:

NM_000077.5(CDKN2A):c.170C>T (p.Ala57Val)

Gene: CDKN2A (cyclin dependent kinase inhibitor 2A; minus strand). Cytogenetic location: 9p21.3.
Variant type: single nucleotide variant.
Coding change: c.170C>T on transcript NM_000077.5; coding-DNA position 170, C replaced by T.
Protein change: p.Ala57Val; replaces alanine 57 with valine.
Molecular consequence: missense variant (on NM_000077.6). On other transcripts: synonymous variant (1), 3 prime UTR variant (1).
Genome position (GRCh38, 1-based): chr9:21,971,189, G>A on the plus strand (C>T on the coding strand, the complement: CDKN2A is on the minus strand). VCF-style: chr9-21971189-G-A. GRCh37 (hg19) VCF-style: chr9-21971188-G-A.
Other names: c.170C>T (NM_001195132.1); c.170C>T, p.Ala57Val (NM_000077.6, NM_001195132.2); c.17C>T, p.Ala6Val (NM_001363763.2); c.213C>T, p.Arg71= (NM_058195.4); c.*93C>T (NM_058197.5); short protein forms A57V, A6V.
Identifiers: ClinVar variation 220562 (VCV000220562.37), dbSNP rs372266620, ClinGen allele CA350362.
Genomic context (GRCh38, chr9:21,971,189, plus strand): 5'-GTGGCGGGGTCGGCGCAGTTGGGCTCCGCGCCGTGGAGCAGCAGCAGCTCCGCCACTCGG[G>A]CGCTGCCCATCATCATGACCTGCCAGAGAGAACAGAATGGTCAGAGCCAGGGTGGGGGCC-3'
Protein context (NP_000068.1, residues 47-67): RPIQVMMMGS[Ala57Val]RVAELLLLHG

ClinVar aggregate classification (germline): Conflicting classifications of pathogenicity. Review status: criteria provided, conflicting classifications (1 of 4 stars). 13 submissions from 13 submitters: Uncertain significance (7); Benign (1); Likely benign (5). Last evaluated 2026-04-21.

Conditions:
CDKN2A-related disorder. Also called: CDKN2A-related condition.
Hereditary cancer-predisposing syndrome. Also called: Neoplastic Syndromes, Hereditary; Tumor predisposition; Hereditary Cancer Syndrome; Hereditary neoplastic syndrome. Identifiers: Orphanet 140162, MedGen C0027672, MeSH D009386, MONDO:0015356.
Familial melanoma. Also called: Hereditary melanoma; Hereditary cutaneous melanoma. Identifiers: Orphanet 618, MedGen C1512419, MONDO:0018961.
Melanoma-pancreatic cancer syndrome. Identifiers: Orphanet 404560, MedGen C1838547, MONDO:0011713, OMIM 606719. Disease mechanism: loss of function.
Li-Fraumeni syndrome (LFS). Also called: Sarcoma family syndrome of Li and Fraumeni. Identifiers: Orphanet 524, MedGen C0085390, MONDO:0018875.

Allele frequency attached by ClinVar (database versions not stated): ESP Exome Variant Server 0.00008; TOPMed 0.00010.
gnomAD v4.1: 163 of 1,597,598 alleles (0.01%); highest among the groups gnomAD compares: Non-Finnish European, 0.012%; no homozygotes.

Submissions (13):

PreventionGenetics, part of Exact Sciences
Classification: Likely benign for CDKN2A-related condition. Last evaluated: 2026-04-21. Review status: criteria provided, single submitter. Criteria: ACMG Guidelines, 2015. Collection method: clinical testing. Allele origin: germline.
Comment: This variant is classified as likely benign based on ACMG/AMP sequence variant interpretation guidelines (Richards et al. 2015 PMID: 25741868, with internal and published modifications).

Labcorp Genetics (formerly Invitae), Labcorp
Classification: Likely benign for Familial melanoma. Last evaluated: 2026-02-03. Review status: criteria provided, single submitter. Criteria: Invitae Variant Classification Sherloc (09022015). Collection method: clinical testing. Allele origin: germline.

Women's Health and Genetics/Laboratory Corporation of America, LabCorp
Classification: Uncertain significance. Last evaluated: 2025-04-28. Review status: criteria provided, single submitter. Criteria: LabCorp Variant Classification Summary - May 2015. Collection method: clinical testing. Allele origin: germline.
Comment: Variant summary: CDKN2A c.170C>T (p.Ala57Val) results in a non-conservative amino acid change in the encoded protein sequence. Four of five in-silico tools predict a benign effect of the variant on protein function. The variant allele was found at a frequency of 9.5e-05 in 242428 control chromosomes. This frequency is not significantly higher than estimated for a pathogenic variant in CDKN2A causing Cutaneous Malignant Melanoma (9.5e-05 vs 0.0003), allowing no conclusion about variant significance. c.170C>T has been identified in numerous somatic instances and in the presumed heterozygous germline state in multiple melanoma patients (e.g. Begg_2005, Goldstein_2008, Kannengiesser_2009, Orlow_2007, Soufir_1998, Soufir_2004), one of whom also had pancreatic cancer (Soufir_2004), as well as in one acute lymphoblastic leukaemia patient (Xu_2015), and in one pancreatic cancer patient without melanoma (Zhu_2021). Additionally, at least 1 study found the variant was carried by 4 individuals (relationship unknown) with multiple primary melanomas, however the quantity was not provided (example, Miller_2011), and follow up Bayesian analysis for the variant's clinical/in silico/functional characteristics resulted in a "VUS" classification by the authors. These reports do not provide unequivocal conclusions about association of the variant with Cutaneous Malignant Melanoma. Experimental studies have shown that this missense change results in partial binding of CDK4, resulting in elevated levels of reactive oxygen species, while retaining the cell cycle arrest function (Jenkins 2013, Kannengiesser 2009). The clinical significance of elevated levels of reactive oxygen species (ROS) compared to wild-type p16 is unknown. The variant was also shown to effectively suppress leukemic transformation in p16Ink4a deficient mouse cells, to similar levels seen with wild-type (Li_2022). The following publications have been ascertained in the context of this evaluation (PMID: 16234564, 24728327, 27756164, 27960642, 28765326, 18178632, 23190892, 19260062, 9166859, 34369425, 21462282, 16818274, 18519632, 17218939, 7718873, 14735200, 9425228, 26104880, 33939675, 28135145, 21507037, 16896043). ClinVar contains an entry for this variant (Variation ID: 220562). Based on the evidence outlined above, the variant was classified as uncertain significance.

Quest Diagnostics Nichols Institute San Juan Capistrano
Classification: Uncertain significance. Last evaluated: 2025-01-30. Review status: criteria provided, single submitter. Criteria: Quest Diagnostics criteria. Collection method: clinical testing. Allele origin: unknown.
Comment: The CDKN2A c.170C>T (p.Ala57Val) variant has been reported in the published literature in individuals with melanoma and colorectal cancer (PMIDs: 9425228 (1998), 16234564 (2005), 18178632 (2008), 21462282 (2011), and 28135145 (2017)). It has also been reported in a child with acute lymphoblastic leukemia (PMID: 34369425 (2022)), as well as in an individual with a family history of pancreatic cancer (PMID: 33939675 (2021)). Functional studies have shown a conflicting effect on protein function (PMIDs: 19260062 (2009), 23190892 (2013), and 34369425 (2022)). The frequency of this variant in the general population (Genome Aggregation Database) is higher than would generally be expected for pathogenic variants in this gene. Analysis of this variant using bioinformatics tools for the prediction of the effect of amino acid changes on protein structure and function yielded conflicting predictions that this variant is deleterious or benign. Based on the available information, we are unable to determine the clinical significance of this variant.

Blueprint Genetics
Classification: Likely benign. Last evaluated: 2024-11-13. Review status: criteria provided, single submitter. Criteria: ACMG Guidelines, 2015. Collection method: clinical testing. Allele origin: germline.

Color Diagnostics, LLC DBA Color Health
Classification: Likely benign for Hereditary cancer-predisposing syndrome. Last evaluated: 2024-09-19. Review status: criteria provided, single submitter. Criteria: ACMG Guidelines, 2015. Collection method: clinical testing. Allele origin: germline.

St. Jude Molecular Pathology, St. Jude Children's Research Hospital
Classification: Uncertain significance for Melanoma-pancreatic cancer syndrome. Last evaluated: 2023-11-13. Review status: criteria provided, single submitter. Criteria: St. Jude Assertion Criteria 2020. Collection method: clinical testing. Allele origin: germline.
Comment: The CDKN2A c.170C>T (p.Ala57Val) missense change has a maximum founder subpopulation frequency of 0.013% and a maximum non-founder subpopulation frequency of 0.012% in gnomAD v2.1.1. The in silico tool REVEL is inconclusive about a pathogenic or benign effect of this variant on protein function. This variant has been reported in an individual with pancreatic cancer and melanoma (PMID: 14735200). In summary, the evidence currently available is insufficient to determine the clinical significance of this variant. It has therefore been classified as of uncertain significance.

GeneDx
Classification: Uncertain significance. Last evaluated: 2023-04-17. Review status: criteria provided, single submitter. Criteria: GeneDx Variant Classification Process June 2021. Collection method: clinical testing. Allele origin: germline. Affected: yes.
Comment: In silico analysis supports that this missense variant does not alter protein structure/function; Observed in individuals with melanoma and/or pancreatic cancer (Soufir 1998, Soufir 2004, Begg 2005, Orlow 2007, Kannengiesser 2009, Spica 2011); Published functional demonstrate normal or partial binding to CDK4 and elevated levels of reactive oxygen species (Kannengiesser et al., 2009; Jenkins et al., 2013; Li et al., 2022); This variant is associated with the following publications: (PMID: 12752119, 14735200, 21507037, 20707869, 21462282, 9425228, 19260062, 23190892, 9823374, 25980754, 26104880, 16234564, 17218939, 18335566, 18023021, 10596908, 18573309, 19375815, 9132280, 24728327, 21085193, 28440912, 28188106, 27882345, 26664139, 18509008, 16354195, 16896043, 26286987, 28135145, 15146471, 25186627, 29958927, 29769011, 33076392, 35001868, 34369425, 35029067, 18178632)

Department of Pathology and Laboratory Medicine, Sinai Health System
Classification: Uncertain significance for Li-Fraumeni syndrome. Last evaluated: 2022-11-30. Review status: criteria provided, single submitter. Criteria: ACMG Guidelines, 2015. Collection method: clinical testing. Allele origin: germline. Affected: yes.

Sema4
Classification: Uncertain significance for Hereditary cancer-predisposing syndrome. Last evaluated: 2022-03-09. Review status: criteria provided, single submitter. Criteria: Sema4 Curation Guidelines. Collection method: curation. Allele origin: germline.
Comment: The CDKN2A c.170C>T (p.A57V) variant has been reported in heterozygosity in multiple individuals with melanoma, including at least one patient also affected with pancreatic cancer (PMID: 14735200, 17218939, 18178632); however, it has also been reported in control individuals (PMID: 18178632). In one family with a proband diagnosed with melanoma, this variant did not segregate in an affected family member (PMID: 19260062). The variant has also been reported in an individual with colorectal cancer (PMID: 28135145). In vitro functional studies have demonstrated normal cell cycle regulation, cell proliferation, and/or CDK4 binding (PMID: 21462282, 23190892, 19260062). Functional studies have shown that this variant impaired oxidative regulatory function (PMID: 23190892). In silico predictions of the variant's effect on protein function are inconclusive. This variant was observed in 21/251530 chromosomes across all populations of the large and broad cohorts in the Genome Aggregation Database (PMID: 32461654). The variant has been reported in ClinVar (Variation ID: 220562). The evidence is insufficient to meet ACMG/AMP criteria for classifying the variant as benign or pathogenic. Thus, the clinical significance of this variant is currently uncertain.

Institute for Clinical Genetics, University Hospital TU Dresden, University Hospital TU Dresden
Classification: Uncertain significance. Last evaluated: 2021-11-03. Review status: criteria provided, single submitter. Criteria: ACMG Guidelines, 2015. Collection method: clinical testing. Allele origin: germline.

Mendelics
Classification: Benign for Melanoma-pancreatic cancer syndrome. Last evaluated: 2019-05-28. Review status: criteria provided, single submitter. Criteria: Mendelics Assertion Criteria 2017. Collection method: clinical testing. Allele origin: unknown.

Ambry Genetics
Classification: Likely benign for Hereditary cancer-predisposing syndrome. Last evaluated: 2018-05-02. Review status: criteria provided, single submitter. Criteria: Ambry Variant Classification Scheme 2023. Collection method: clinical testing. Allele origin: germline.

Literature cited by the submitters: PubMed 24728327 (cited by Women's Health and Genetics/Laboratory Corporation of America, LabCorp); PubMed 21462282 (cited by 5 submitters); PubMed 16896043 (cited by Women's Health and Genetics/Laboratory Corporation of America, LabCorp); PubMed 17218939 (cited by 5 submitters); PubMed 16234564 (cited by 3 submitters); PubMed 26104880 (cited by Women's Health and Genetics/Laboratory Corporation of America, LabCorp); PubMed 18178632 (cited by 5 submitters); PubMed 23190892 (cited by 5 submitters); PubMed 19260062 (cited by 5 submitters); PubMed 9425228 (cited by 3 submitters); PubMed 14735200 (cited by 4 submitters); PubMed 28135145 (cited by 4 submitters); PubMed 27756164 (cited by Women's Health and Genetics/Laboratory Corporation of America, LabCorp); PubMed 27960642 (cited by Women's Health and Genetics/Laboratory Corporation of America, LabCorp); PubMed 28765326 (cited by Women's Health and Genetics/Laboratory Corporation of America, LabCorp); PubMed 9166859 (cited by Women's Health and Genetics/Laboratory Corporation of America, LabCorp); PubMed 16818274 (cited by Women's Health and Genetics/Laboratory Corporation of America, LabCorp); PubMed 18519632 (cited by Women's Health and Genetics/Laboratory Corporation of America, LabCorp); PubMed 7718873 (cited by Women's Health and Genetics/Laboratory Corporation of America, LabCorp); PubMed 21507037 (cited by Women's Health and Genetics/Laboratory Corporation of America, LabCorp); PubMed 33939675 (cited by Women's Health and Genetics/Laboratory Corporation of America, LabCorp and Quest Diagnostics Nichols Institute San Juan Capistrano); PubMed 34369425 (cited by Women's Health and Genetics/Laboratory Corporation of America, LabCorp and Quest Diagnostics Nichols Institute San Juan Capistrano); PubMed 35001868 (cited by Quest Diagnostics Nichols Institute San Juan Capistrano); PubMed 15146471 (cited by Ambry Genetics).